The following is an entry in ClinVar:

ClinVar aggregate classification (germline): Uncertain significance. Review status: criteria provided, multiple submitters, no conflicts (2 of 4 stars). 4 submissions from 4 submitters: Uncertain significance (4). Last evaluated 2024-04-17.

Conditions:
Hereditary nonpolyposis colorectal neoplasms. Identifiers: MedGen C0009405, MeSH D003123.
Lynch syndrome 4 (LYNCH4). Also called: Colorectal cancer, hereditary nonpolyposis, type 4; Hereditary non-polyposis colorectal cancer, type 4. Identifiers: Orphanet 144, MedGen C1838333, MONDO:0013699, OMIM 614337. Disease mechanism: loss of function.
Hereditary cancer-predisposing syndrome. Also called: Neoplastic Syndromes, Hereditary; Tumor predisposition; Hereditary Cancer Syndrome; Hereditary neoplastic syndrome. Identifiers: Orphanet 140162, MedGen C0027672, MeSH D009386, MONDO:0015356.

Submissions (4):

Ambry Genetics
Classification: Uncertain significance for Hereditary cancer-predisposing syndrome. Last evaluated: 2024-04-17. Review status: criteria provided, single submitter. Criteria: Ambry Variant Classification Scheme 2023. Collection method: clinical testing. Allele origin: germline.
Comment: The p.C276Y variant (also known as c.827G>A), located in coding exon 8 of the PMS2 gene, results from a G to A substitution at nucleotide position 827. The cysteine at codon 276 is replaced by tyrosine, an amino acid with highly dissimilar properties. This amino acid position is not well conserved in available vertebrate species. In addition, the in silico prediction for this alteration is inconclusive. Since supporting evidence is limited at this time, the clinical significance of this alteration remains unclear.

Baylor Genetics
Classification: Uncertain significance for Lynch syndrome 4. Last evaluated: 2024-01-01. Review status: criteria provided, single submitter. Criteria: ACMG Guidelines, 2015. Collection method: clinical testing. Allele origin: unknown.

ARUP Laboratories, Molecular Genetics and Genomics, ARUP Laboratories
Classification: Uncertain significance. Last evaluated: 2018-08-12. Review status: criteria provided, single submitter. Criteria: ARUP Molecular Germline Variant Investigation Process. Collection method: clinical testing. Allele origin: germline.
Comment: The PMS2 c.827G>A; p.Cys276Tyr variant, to our knowledge, is not reported in the medical literature but is reported in ClinVar (Variation ID: 525797). This variant is absent from general population databases (1000 Genomes Project, Exome Variant Server, and Genome Aggregation Database), indicating it is not a common polymorphism. The cysteine at codon 276 is moderately conserved but computational analyses (SIFT: Damaging, PolyPhen-2: Benign) predict conflicting effects of this variant on protein structure/function. Due to limited information, the clinical significance of the p.Cys276Tyr variant is uncertain at this time.

Labcorp Genetics (formerly Invitae), Labcorp
Classification: Uncertain significance for Hereditary nonpolyposis colorectal neoplasms. Last evaluated: 2017-10-27. Review status: criteria provided, single submitter. Criteria: Invitae Variant Classification Sherloc (09022015). Collection method: clinical testing. Allele origin: germline.
Comment: This sequence change replaces cysteine with tyrosine at codon 276 of the PMS2 protein (p.Cys276Tyr). The cysteine residue is moderately conserved and there is a large physicochemical difference between cysteine and tyrosine. This variant is not present in population databases (ExAC no frequency). This variant has not been reported in the literature in individuals with PMS2-related disease. In summary, the available evidence is currently insufficient to determine the role of this variant in disease. Therefore, it has been classified as a Variant of Uncertain Significance. Algorithms developed to predict the effect of missense changes on protein structure and function do not agree on the potential impact of this missense change (SIFT: "Deleterious"; PolyPhen-2: "Possibly Damaging"; Align-GVGD: "Class C0").

NM_000535.7(PMS2):c.827G>A (p.Cys276Tyr)

Gene: PMS2 (PMS1 homolog 2, mismatch repair system component; minus strand). Cytogenetic location: 7p22.1.
Variant type: single nucleotide variant.
Coding change: c.827G>A on transcript NM_000535.7 (MANE Select); coding-DNA position 827, G replaced by A.
Protein change: p.Cys276Tyr; replaces cysteine 276 with tyrosine.
Molecular consequence: missense variant. On other transcripts: 5 prime UTR variant (2), non-coding transcript variant (1).
Genome position (GRCh38, 1-based): chr7:5,995,610, C>T on the plus strand (G>A on the coding strand, the complement: PMS2 is on the minus strand). VCF-style: chr7-5995610-C-T. GRCh37 (hg19) VCF-style: chr7-6035241-C-T.
Other names: c.422G>A, p.Cys141Tyr (NM_001322010.2, NM_001322009.2, NM_001322005.2 and 2 more transcripts); c.-107G>A (NM_001322011.2, NM_001322012.2); c.254G>A, p.Cys85Tyr (NM_001322013.2); c.827G>A, p.Cys276Tyr (NM_001322014.2, NM_001322006.2); c.518G>A, p.Cys173Tyr (NM_001322015.2); c.509G>A, p.Cys170Tyr (NM_001322008.2, NM_001322007.2); short protein forms C276Y, C170Y, C85Y, C141Y, C173Y.
Identifiers: ClinVar variation 525797 (VCV000525797.19), dbSNP rs1554300806, ClinGen allele CA366743538.
Genomic context (GRCh38, chr7:5,995,610, plus strand): 5'-GGCCGCCGGTTGATAAAGAAAAACTGTCTGTCTGTTGAACTCCTTCCAACTCCATGCGTG[C>T]ATTGTGAAATGAAACCTGAGATGCTATTCAACATTAATATGGTAAGGGCAGGATTCCAGA-3'
Protein context (NP_000526.2, residues 266-286): LFYISGFISQ[Cys276Tyr]THGVGRSSTD